The following is an entry in ClinVar:

NM_001008216.2(GALE):c.144C>T (p.Ser48=)

Gene: GALE (UDP-galactose-4-epimerase; minus strand). Cytogenetic location: 1p36.11.
Variant type: single nucleotide variant.
Coding change: c.144C>T on transcript NM_001008216.2 (MANE Select); coding-DNA position 144, C replaced by T.
Protein change: p.Ser48=; no amino-acid change (serine 48 retained).
Molecular consequence: synonymous variant.
Genome position (GRCh38, 1-based): chr1:23,798,708, G>A on the plus strand (C>T on the coding strand, the complement: GALE is on the minus strand). VCF-style: chr1-23798708-G-A. GRCh37 (hg19) VCF-style: chr1-24125198-G-A.
Other names: c.144C>T (NM_000403.3); c.144C>T, p.Ser48= (NM_000403.4, NM_001127621.2).
Identifiers: ClinVar variation 2720739 (VCV002720739.6), dbSNP rs1304532208, ClinGen allele CA416615166.

ClinVar aggregate classification (germline): Likely benign. Review status: criteria provided, multiple submitters, no conflicts (2 of 4 stars). 3 submissions from 3 submitters: Likely benign (2). 1 of the submissions does not count toward it. Last evaluated 2024-02-18.

Conditions:
GALE-related disorder. Also called: GALE-related condition.
UDPglucose-4-epimerase deficiency. Also called: GALACTOSEMIA III; GALE DEFICIENCY; UDPglucose 4-Epimerase Deficiency Disease; UDP-GALACTOSE-4-EPIMERASE DEFICIENCY; Galactose epimerase deficiency; Epimerase Deficiency Galactosemia. Identifiers: Orphanet 352, Orphanet 79238, MedGen C0751161, MONDO:0009257, OMIM 230350.

Allele frequency attached by ClinVar (database versions not stated): gnomAD 0.00001; TOPMed 0.00001.
gnomAD v4.1: 13 of 1,613,870 alleles (0.00081%); highest among the groups gnomAD compares: Admixed American, 0.0067%; no homozygotes.

Submissions (3):

Labcorp Genetics (formerly Invitae), Labcorp
Classification: Likely benign for UDPglucose-4-epimerase deficiency. Last evaluated: 2024-02-18. Review status: criteria provided, single submitter. Criteria: Invitae Variant Classification Sherloc (09022015). Collection method: clinical testing. Allele origin: germline.

Blueprint Genetics
Classification: Likely benign. Last evaluated: 2023-01-16. Review status: criteria provided, single submitter. Criteria: ACMG Guidelines, 2015. Collection method: clinical testing. Allele origin: germline.

PreventionGenetics, part of Exact Sciences
Classification: Likely benign for GALE-related condition. Last evaluated: 2019-02-27. Review status: no assertion criteria provided. Collection method: clinical testing. Allele origin: germline. Not counted in ClinVar's aggregate classification.
Comment: This variant is classified as likely benign based on ACMG/AMP sequence variant interpretation guidelines (Richards et al. 2015 PMID: 25741868, with internal and published modifications).